The following is an entry in ClinVar:

ClinVar aggregate classification (germline): Benign/Likely benign. Review status: criteria provided, multiple submitters, no conflicts (2 of 4 stars). 4 submissions from 4 submitters: Benign (2); Likely benign (2). Last evaluated 2026-05-01.

Conditions:
Retinitis pigmentosa (RP). Identifiers: Orphanet 791, MedGen C0035334, MeSH D012174, MONDO:0019200, OMIM 268000. Inheritance: Autosomal dominant, autosomal recessive and X linked inheritance.

Allele frequency attached by ClinVar (database versions not stated): gnomAD exomes 0.00037 and 0.00095; ExAC 0.00123; gnomAD 0.00394 and 0.00419; ESP Exome Variant Server 0.00408; TOPMed 0.00440; 1000 Genomes Project 0.00499; 1000 Genomes Project 30x 0.00562.
gnomAD v4.1: 1,157 of 1,613,556 alleles (0.072%); highest among the groups gnomAD compares: African/African-American, 1.3%; 6 homozygotes.

Submissions (4):

CeGaT Center for Human Genetics Tuebingen
Classification: Likely benign. Last evaluated: 2026-05-01. Review status: criteria provided, single submitter. Criteria: CeGaT Center For Human Genetics Tuebingen Variant Classification Criteria Version 2. Collection method: clinical testing. Allele origin: germline. Affected: yes. Observed: 1 variant allele.
Comment: KLHL7: BP4, BP7, BS1

Labcorp Genetics (formerly Invitae), Labcorp
Classification: Benign. Last evaluated: 2026-01-19. Review status: criteria provided, single submitter. Criteria: Invitae Variant Classification Sherloc (09022015). Collection method: clinical testing. Allele origin: germline.

Blueprint Genetics
Classification: Likely benign. Last evaluated: 2024-11-12. Review status: criteria provided, single submitter. Criteria: ACMG Guidelines, 2015. Collection method: clinical testing. Allele origin: germline.

Illumina Laboratory Services, Illumina
Classification: Benign for Retinitis pigmentosa. Last evaluated: 2018-01-13. Review status: criteria provided, single submitter. Criteria: ICSL Variant Classification Criteria 13 December 2019. Collection method: clinical testing. Allele origin: germline.
Comment: This variant was observed in the ICSL laboratory as part of a predisposition screen in an ostensibly healthy population. It had not been previously curated by ICSL or reported in the Human Gene Mutation Database (HGMD: prior to June 1st, 2018), and was therefore a candidate for classification through an automated scoring system. Utilizing variant allele frequency, disease prevalence and penetrance estimates, and inheritance mode, an automated score was calculated to assess if this variant is too frequent to cause the disease. Based on the score and internal cut-off values, a variant classified as benign is not then subjected to further curation. The score for this variant resulted in a classification of benign for this disease.

NM_001031710.3(KLHL7):c.459G>A (p.Ala153=)

Gene: KLHL7 (kelch like family member 7; plus strand). Cytogenetic location: 7p15.3.
Variant type: single nucleotide variant.
Coding change: c.459G>A on transcript NM_001031710.3 (MANE Select); coding-DNA position 459, G replaced by A.
Protein change: p.Ala153=; no amino-acid change (alanine 153 retained).
Molecular consequence: synonymous variant. On other transcripts: non-coding transcript variant (1).
Genome position (GRCh38, 1-based): chr7:23,140,785, G>A. VCF-style: chr7-23140785-G-A. GRCh37 (hg19) VCF-style: chr7-23180404-G-A.
Other names: c.315G>A, p.Ala105= (NM_018846.5).
Identifiers: ClinVar variation 718619 (VCV000718619.17), dbSNP rs150030941, ClinGen allele CA4186442.